The following is an entry in ClinVar:

NM_000214.3(JAG1):c.2788T>C (p.Cys930Arg)

Gene: JAG1 (jagged canonical Notch ligand 1; minus strand). Cytogenetic location: 20p12.2.
Variant type: single nucleotide variant.
Coding change: c.2788T>C on transcript NM_000214.3 (MANE Select); coding-DNA position 2788, T replaced by C.
Protein change: p.Cys930Arg; replaces cysteine 930 with arginine.
Molecular consequence: missense variant.
Genome position (GRCh38, 1-based): chr20:10,641,588, A>G on the plus strand (T>C on the coding strand, the complement: JAG1 is on the minus strand). VCF-style: chr20-10641588-A-G. GRCh37 (hg19) VCF-style: chr20-10622236-A-G.
Other names: short protein forms C930R.
Identifiers: ClinVar variation 4858545 (VCV004858545.1).

ClinVar aggregate classification (germline): Uncertain significance (1 of 4 stars; one submission).

Conditions:
Cardiovascular phenotype. Identifiers: MedGen CN230736.

Submission:

Ambry Genetics
Classification: Uncertain significance for Cardiovascular phenotype. Last evaluated: 2026-03-21. Review status: criteria provided, single submitter. Criteria: Ambry Variant Classification Scheme 2023. Collection method: clinical testing. Allele origin: germline.
Comment: The p.C930R variant (also known as c.2788T>C), located in coding exon 23 of the JAG1 gene, results from a T to C substitution at nucleotide position 2788. The cysteine at codon 930 is replaced by arginine, an amino acid with highly dissimilar properties. This amino acid position is conserved. In addition, this alteration is predicted to be deleterious by in silico analysis. Based on the available evidence, the clinical significance of this variant remains unclear.